The following is an entry in ClinVar:

NM_001009944.3(PKD1):c.8795A>G (p.His2932Arg)

Gene: PKD1 (polycystin 1, transient receptor potential channel interacting; minus strand). Cytogenetic location: 16p13.3.
Variant type: single nucleotide variant.
Coding change: c.8795A>G on transcript NM_001009944.3 (MANE Select); coding-DNA position 8795, A replaced by G.
Protein change: p.His2932Arg; replaces histidine 2932 with arginine.
Molecular consequence: missense variant.
Genome position (GRCh38, 1-based): chr16:2,102,967, T>C on the plus strand (A>G on the coding strand, the complement: PKD1 is on the minus strand). VCF-style: chr16-2102967-T-C. GRCh37 (hg19) VCF-style: chr16-2152968-T-C.
Other names: c.8795A>G, p.His2932Arg (NM_000296.4); short protein forms H2932R.
Identifiers: ClinVar variation 1310140 (VCV001310140.4), dbSNP rs201524173, ClinGen allele CA7830346.
Genomic context (GRCh38, chr16:2,102,967, plus strand): 5'-GGCCGGGGCTCCGAGTGTAGGTAGACTGCCAGGTAGGGCTCAGGTTCCTCAGACAGGTAG[T>C]GGCCTGGGGCAGAACGCGCAGGTCACACGCCTGCCGGGAAGCTCAACCACCCGGGGGACA-3'
Protein context (NP_001009944.3, residues 2922-2942): LQLNYTLLDG[His2932Arg]YLSEEPEPYL

ClinVar aggregate classification (germline): Uncertain significance. Review status: criteria provided, multiple submitters, no conflicts (2 of 4 stars). 2 submissions from 2 submitters: Uncertain significance (2). Last evaluated 2023-09-29.

Conditions:
Polycystic kidney disease, adult type (PKD1). Also called: Polycystic Kidney Disease 1, Autosomal Dominant; Polycystic kidney disease 1; Polycystic kidney disease 1, severe; POLYCYSTIC KIDNEY DISEASE 1 WITH OR WITHOUT POLYCYSTIC LIVER DISEASE; POLYCYSTIC KIDNEY DISEASE, ADULT, TYPE I; Polycystic Kidney, Autosomal Dominant. Identifiers: MedGen C3149841, MONDO:0008263, OMIM 173900.

Allele frequency attached by ClinVar (database versions not stated): gnomAD 0.00002; ExAC 0.00003; gnomAD exomes 0.00003; TOPMed 0.00003.
gnomAD v4.1: 40 of 1,604,324 alleles (0.0025%); highest among the groups gnomAD compares: Admixed American, 0.0083%; no homozygotes.

Submissions (2):

GeneDx
Classification: Uncertain significance. Last evaluated: 2023-09-29. Review status: criteria provided, single submitter. Criteria: GeneDx Variant Classification Process June 2021. Collection method: clinical testing. Allele origin: germline. Affected: yes.
Comment: In silico analysis supports that this missense variant does not alter protein structure/function; Has not been previously published as pathogenic or benign to our knowledge

Fulgent Genetics
Classification: Uncertain significance for Polycystic kidney disease, adult type. Last evaluated: 2022-01-25. Review status: criteria provided, single submitter. Criteria: ACMG Guidelines, 2015. Collection method: clinical testing. Allele origin: unknown.